The following is an entry in ClinVar:

NM_014712.3(SETD1A):c.1635A>G (p.Pro545=)

Gene: SETD1A (SET domain containing 1A, histone lysine methyltransferase; plus strand). Cytogenetic location: 16p11.2.
Variant type: single nucleotide variant.
Coding change: c.1635A>G on transcript NM_014712.3 (MANE Select); coding-DNA position 1635, A replaced by G.
Protein change: p.Pro545=; no amino-acid change (proline 545 retained).
Molecular consequence: synonymous variant.
Genome position (GRCh38, 1-based): chr16:30,965,377, A>G. VCF-style: chr16-30965377-A-G. GRCh37 (hg19) VCF-style: chr16-30976698-A-G.
Identifiers: ClinVar variation 4985035 (VCV004985035.1).

ClinVar aggregate classification (germline): Likely benign (1 of 4 stars; one submission).

Conditions:
SETD1A-related disorder. Also called: SETD1A-related condition.

gnomAD v4.1: 1 of 1,607,830 alleles (0.000062%); highest among the groups gnomAD compares: Admixed American, 0.0017%; no homozygotes.

Submission:

PreventionGenetics, part of Exact Sciences
Classification: Likely benign for SETD1A-related condition. Last evaluated: 2026-04-30. Review status: criteria provided, single submitter. Criteria: ACMG Guidelines, 2015. Collection method: clinical testing. Allele origin: germline.
Comment: This variant is classified as likely benign based on ACMG/AMP sequence variant interpretation guidelines (Richards et al. 2015 PMID: 25741868, with internal and published modifications).